The following is an entry in ClinVar:

NM_007215.4(POLG2):c.1190A>T (p.Gln397Leu)

Genes: MILR1 (mast cell immunoglobulin like receptor 1; plus strand), POLG2 (DNA polymerase gamma 2, accessory subunit; minus strand). Cytogenetic location: 17q23.3.
Variant type: single nucleotide variant.
Coding change: c.1190A>T on transcript NM_007215.4 (MANE Select); coding-DNA position 1190, A replaced by T.
Protein change: p.Gln397Leu; replaces glutamine 397 with leucine.
Molecular consequence: missense variant.
Genome position (GRCh38, 1-based): chr17:64,482,920, T>A on the plus strand (A>T on the coding strand, the complement: POLG2 is on the minus strand). VCF-style: chr17-64482920-T-A. GRCh37 (hg19) VCF-style: chr17-62479037-T-A.
Other names: short protein forms Q397L.
Identifiers: ClinVar variation 2580435 (VCV002580435.1), dbSNP rs1382268738, ClinGen allele CA400636953.

ClinVar aggregate classification (germline): Uncertain significance (1 of 4 stars; one submission).

Allele frequency attached by ClinVar (database versions not stated): gnomAD exomes below 0.00001; TOPMed below 0.00001.
gnomAD v4.1: 1 of 1,529,348 alleles (0.000065%); highest among the groups gnomAD compares: African/African-American, 0.0014%; no homozygotes.

Submission:

GeneDx
Classification: Uncertain significance. Last evaluated: 2023-03-23. Review status: criteria provided, single submitter. Criteria: GeneDx Variant Classification Process June 2021. Collection method: clinical testing. Allele origin: germline. Affected: yes.
Comment: Not observed at significant frequency in large population cohorts (gnomAD); In silico analysis supports that this missense variant has a deleterious effect on protein structure/function; Has not been previously published as pathogenic or benign to our knowledge